The following is an entry in ClinVar:

ClinVar aggregate classification (germline): Likely pathogenic (1 of 4 stars; one submission).

Conditions:
Gaucher disease. Also called: Acute cerebral Gaucher disease; Cerebroside lipidosis syndrome; Gaucher splenomegaly; Sphingolipidosis 1; Glucocerebrosidosis; Glucosylceramidase deficiency. Identifiers: Orphanet 355, MedGen C0017205, MONDO:0018150.

Submission:

Natera, Inc.
Classification: Likely pathogenic for Gaucher disease. Last evaluated: 2026-01-06. Review status: criteria provided, single submitter. Criteria: Natera Variant Classification Schema (03/2026). Collection method: clinical testing. Allele origin: germline.
Comment: The c.1206C>G variant in GBA1 is a nonsense variant predicted to introduce a stop codon at amino acid 402. This variant is expected to result in nonsense mediated decay, truncation, or a dysfunctional protein product. This variant is rare in the general population with a frequency below the threshold expected for the associated phenotype(s). Given the available evidence, this variant is classified as Likely Pathogenic.

NM_000157.4(GBA1):c.1206C>G (p.Tyr402Ter)

Genes: GBA1 (glucosylceramidase beta 1; minus strand), LOC106627981 (GBA recombination region; plus strand). Cytogenetic location: 1q22.
Variant type: single nucleotide variant.
Coding change: c.1206C>G on transcript NM_000157.4 (MANE Select); coding-DNA position 1206, C replaced by G.
Protein change: p.Tyr402Ter; replaces tyrosine 402 with a stop codon.
Molecular consequence: nonsense.
Genome position (GRCh38, 1-based): chr1:155,236,263, G>C on the plus strand (C>G on the coding strand, the complement: GBA1 is on the minus strand). VCF-style: chr1-155236263-G-C. GRCh37 (hg19) VCF-style: chr1-155206054-G-C.
Other names: c.1206C>G, p.Tyr402Ter (NM_001005741.3, NM_001005742.3); c.945C>G, p.Tyr315Ter (NM_001171811.2); c.1059C>G, p.Tyr353Ter (NM_001171812.2); short protein forms Y315*, Y353*, Y402*.
Identifiers: ClinVar variation 4817696 (VCV004817696.1).